The following is an entry in ClinVar:

ClinVar aggregate classification (germline): Uncertain significance (1 of 4 stars; one submission).

Submission:

Labcorp Genetics (formerly Invitae), Labcorp
Classification: Uncertain significance. Last evaluated: 2024-01-02. Review status: criteria provided, single submitter. Criteria: Invitae Variant Classification Sherloc (09022015). Collection method: clinical testing. Allele origin: germline.
Comment: This sequence change replaces isoleucine, which is neutral and non-polar, with methionine, which is neutral and non-polar, at codon 120 of the STN1 protein (p.Ile120Met). This variant is not present in population databases (gnomAD no frequency). This variant has not been reported in the literature in individuals affected with STN1-related conditions. ClinVar contains an entry for this variant (Variation ID: 2038173). Advanced modeling of protein sequence and biophysical properties (such as structural, functional, and spatial information, amino acid conservation, physicochemical variation, residue mobility, and thermodynamic stability) performed at Invitae indicates that this missense variant is not expected to disrupt STN1 protein function with a negative predictive value of 80%. In summary, the available evidence is currently insufficient to determine the role of this variant in disease. Therefore, it has been classified as a Variant of Uncertain Significance.

NM_024928.5(STN1):c.360T>G (p.Ile120Met)

Gene: STN1 (STN1 subunit of CST complex; minus strand). Cytogenetic location: 10q24.33.
Variant type: single nucleotide variant.
Coding change: c.360T>G on transcript NM_024928.5 (MANE Select); coding-DNA position 360, T replaced by G.
Protein change: p.Ile120Met; replaces isoleucine 120 with methionine.
Molecular consequence: missense variant.
Genome position (GRCh38, 1-based): chr10:103,900,159, A>C on the plus strand (T>G on the coding strand, the complement: STN1 is on the minus strand). VCF-style: chr10-103900159-A-C. GRCh37 (hg19) VCF-style: chr10-105659917-A-C.
Other names: short protein forms I120M.
Identifiers: ClinVar variation 2038173 (VCV002038173.4), dbSNP rs148532578, ClinGen allele CA378047420.